The following is an entry in ClinVar:

NM_213606.4(SLC16A12):c.180C>A (p.Ile60=)

Genes: SLC16A12 (solute carrier family 16 member 12; minus strand), SLC16A12-AS1 (SLC16A12 antisense RNA 1; plus strand). Cytogenetic location: 10q23.31.
Variant type: single nucleotide variant.
Coding change: c.180C>A on transcript NM_213606.4 (MANE Select); coding-DNA position 180, C replaced by A.
Protein change: p.Ile60=; no amino-acid change (isoleucine 60 retained).
Molecular consequence: synonymous variant.
Genome position (GRCh38, 1-based): chr10:89,462,399, G>T on the plus strand (C>A on the coding strand, the complement: SLC16A12 is on the minus strand). VCF-style: chr10-89462399-G-T. GRCh37 (hg19) VCF-style: chr10-91222156-G-T.
Identifiers: ClinVar variation 3037067 (VCV003037067.2), dbSNP rs1392492628, ClinGen allele CA470748927.

ClinVar aggregate classification (germline): Likely benign (0 of 4 stars; one submission).

Conditions:
SLC16A12-related disorder. Also called: SLC16A12-related condition.

Allele frequency attached by ClinVar (database versions not stated): TOPMed 0.00003.
gnomAD v4.1: 30 of 1,614,052 alleles (0.0019%); highest among the groups gnomAD compares: Non-Finnish European, 0.0025%; no homozygotes.

Submission:

PreventionGenetics, part of Exact Sciences
Classification: Likely benign for SLC16A12-related condition. Last evaluated: 2020-09-17. Review status: no assertion criteria provided. Collection method: clinical testing. Allele origin: germline.
Comment: This variant is classified as likely benign based on ACMG/AMP sequence variant interpretation guidelines (Richards et al. 2015 PMID: 25741868, with internal and published modifications).